The following is an entry in ClinVar:

NM_002691.4(POLD1):c.2435T>C (p.Leu812Pro)

Gene: POLD1 (DNA polymerase delta 1, catalytic subunit; plus strand). Cytogenetic location: 19q13.33.
Variant type: single nucleotide variant.
Coding change: c.2435T>C on transcript NM_002691.4 (MANE Select); coding-DNA position 2435, T replaced by C.
Protein change: p.Leu812Pro; replaces leucine 812 with proline.
Molecular consequence: missense variant. On other transcripts: non-coding transcript variant (1).
Genome position (GRCh38, 1-based): chr19:50,414,861, T>C. VCF-style: chr19-50414861-T-C. GRCh37 (hg19) VCF-style: chr19-50918118-T-C.
Other names: c.2435T>C, p.Leu812Pro (NM_001256849.1); c.2513T>C, p.Leu838Pro (NM_001308632.1); short protein forms L812P, L838P.
Identifiers: ClinVar variation 1389091 (VCV001389091.6), dbSNP rs2122464821, ClinGen allele CA406984700.

ClinVar aggregate classification (germline): Uncertain significance (1 of 4 stars; one submission).

Conditions:
POLD1-related polyposis and colorectal cancer syndrome (CRCS10). Also called: Colorectal cancer, susceptibility to, 10; Colorectal cancer 10; COLORECTAL CANCER, SUSCEPTIBILITY TO, ON CHROMOSOME 19q. Identifiers: Orphanet 220460, MedGen C2675481, MONDO:0012953, OMIM 612591.

Submission:

Labcorp Genetics (formerly Invitae), Labcorp
Classification: Uncertain significance for POLD1-related polyposis and colorectal cancer syndrome. Last evaluated: 2021-10-24. Review status: criteria provided, single submitter. Criteria: Invitae Variant Classification Sherloc (09022015). Collection method: clinical testing. Allele origin: germline.
Comment: In summary, the available evidence is currently insufficient to determine the role of this variant in disease. Therefore, it has been classified as a Variant of Uncertain Significance. Algorithms developed to predict the effect of missense changes on protein structure and function are either unavailable or do not agree on the potential impact of this missense change (SIFT: "Deleterious"; PolyPhen-2: "Probably Damaging"; Align-GVGD: "Class C0"). This variant has not been reported in the literature in individuals affected with POLD1-related conditions. This variant is not present in population databases (ExAC no frequency). This sequence change replaces leucine with proline at codon 812 of the POLD1 protein (p.Leu812Pro). The leucine residue is highly conserved and there is a moderate physicochemical difference between leucine and proline.